The following is an entry in ClinVar:

NM_001136191.3(KANK2):c.2543C>T (p.Ser848Leu)

Gene: KANK2 (KN motif and ankyrin repeat domains 2; minus strand). Cytogenetic location: 19p13.2.
Variant type: single nucleotide variant.
Coding change: c.2543C>T on transcript NM_001136191.3 (MANE Select); coding-DNA position 2543, C replaced by T.
Protein change: p.Ser848Leu; replaces serine 848 with leucine.
Molecular consequence: missense variant.
Genome position (GRCh38, 1-based): chr19:11,166,571, G>A on the plus strand (C>T on the coding strand, the complement: KANK2 is on the minus strand). VCF-style: chr19-11166571-G-A. GRCh37 (hg19) VCF-style: chr19-11277247-G-A.
Other names: c.2543C>T, p.Ser848Leu (NM_001329451.2, NM_001379555.1, NM_001379556.1 and 7 more transcripts); c.2567C>T, p.Ser856Leu (NM_001379548.1, NM_001379549.1, NM_001379550.1 and 5 more transcripts); c.2567C>T (NM_015493.6); short protein forms S848L, S856L.
Identifiers: ClinVar variation 1394568 (VCV001394568.10), dbSNP rs146639208, ClinGen allele CA9205209.

ClinVar aggregate classification (germline): Uncertain significance. Review status: criteria provided, multiple submitters, no conflicts (2 of 4 stars). 4 submissions from 4 submitters: Uncertain significance (4). Last evaluated 2025-12-20.

Conditions:
Nephrotic syndrome 16. Identifiers: MedGen C4540453, MONDO:0033280, OMIM 617783.
Wooly hair-palmoplantar keratoderma syndrome. Also called: Palmoplantar keratoderma and woolly hair; Woolly hair-palmoplantar keratoderma syndrome. Identifiers: Orphanet 420686, MedGen C4015202, MONDO:0014492, OMIM 616099.

Allele frequency attached by ClinVar (database versions not stated): 1000 Genomes Project 30x 0.00016; 1000 Genomes Project 0.00020; ExAC 0.00063; gnomAD exomes 0.00067 and 0.00117; gnomAD 0.00082 and 0.00086; TOPMed 0.00090; ESP Exome Variant Server 0.00108.
gnomAD v4.1: 1,814 of 1,614,168 alleles (0.11%); highest among the groups gnomAD compares: Non-Finnish European, 0.14%; 4 homozygotes.

Submissions (4):

Labcorp Genetics (formerly Invitae), Labcorp
Classification: Uncertain significance. Last evaluated: 2025-12-20. Review status: criteria provided, single submitter. Criteria: Invitae Variant Classification Sherloc (09022015). Collection method: clinical testing. Allele origin: germline.
Comment: This sequence change replaces serine, which is neutral and polar, with leucine, which is neutral and non-polar, at codon 848 of the KANK2 protein (p.Ser848Leu). This variant is present in population databases (rs146639208, gnomAD 0.1%), and has an allele count higher than expected for a pathogenic variant. This variant has not been reported in the literature in individuals affected with KANK2-related conditions. ClinVar contains an entry for this variant (Variation ID: 1394568). An algorithm developed to predict the effect of missense changes on protein structure and function (PolyPhen-2) suggests that this variant is likely to be disruptive. In summary, the available evidence is currently insufficient to determine the role of this variant in disease. Therefore, it has been classified as a Variant of Uncertain Significance.

Ambry Genetics
Classification: Uncertain significance. Last evaluated: 2023-12-09. Review status: criteria provided, single submitter. Criteria: Ambry Variant Classification Scheme 2023. Collection method: clinical testing. Allele origin: germline.

Fulgent Genetics
Classification: Uncertain significance for Wooly hair-palmoplantar keratoderma syndrome; Nephrotic syndrome 16. Last evaluated: 2021-12-13. Review status: criteria provided, single submitter. Criteria: ACMG Guidelines, 2015. Collection method: clinical testing. Allele origin: unknown.

Revvity Omics, Revvity
Classification: Uncertain significance. Last evaluated: 2020-12-22. Review status: criteria provided, single submitter. Criteria: ACMG Guidelines, 2015. Collection method: clinical testing. Allele origin: germline.